The following is an entry in ClinVar:

ClinVar aggregate classification (germline): Pathogenic (1 of 4 stars; one submission).

Conditions:
Kufor-Rakeb syndrome (KRS). Also called: PARKINSON DISEASE 9, AUTOSOMAL RECESSIVE, JUVENILE-ONSET. Identifiers: Orphanet 306674, Orphanet 314632, MedGen C1847640, MONDO:0011706, OMIM 606693.
Autosomal recessive spastic paraplegia type 78. Identifiers: Orphanet 513436, MedGen C5567893, MONDO:0014975, OMIM 617225.

Submission:

Labcorp Genetics (formerly Invitae), Labcorp
Classification: Pathogenic for Kufor-Rakeb syndrome; Autosomal recessive spastic paraplegia type 78. Last evaluated: 2018-09-03. Review status: criteria provided, single submitter. Criteria: Invitae Variant Classification Sherloc (09022015). Collection method: clinical testing. Allele origin: germline.
Comment: For these reasons, this variant has been classified as Pathogenic. Loss-of-function variants in ATP13A2 are known to be pathogenic (PMID: 16964263, 21696388). This variant has not been reported in the literature in individuals with ATP13A2-related disease. This variant is not present in population databases (ExAC no frequency). This sequence change creates a premature translational stop signal (p.Leu1053Valfs*60) in the ATP13A2 gene. It is expected to result in an absent or disrupted protein product.

Literature cited by the submitters: PubMed 16964263; PubMed 21696388.

NM_022089.4(ATP13A2):c.3157_3158del (p.Leu1053fs)

Gene: ATP13A2 (ATPase cation transporting 13A2; minus strand). Cytogenetic location: 1p36.13.
Variant type: Microsatellite.
Coding change: c.3157_3158del on transcript NM_022089.4 (MANE Select); coding-DNA positions 3157 to 3158, 2 bases deleted (CT; older notation c.3157_3158delCT).
Protein change: p.Leu1053fs; shifts the reading frame from leucine 1053.
Molecular consequence: frameshift variant.
Genome position (GRCh38, 1-based): chr1:16,986,882-16,986,883, AG deleted on the plus strand (CT on the coding strand, the reverse complement: ATP13A2 is on the minus strand); deleting any 2 consecutive bases within chr1:16,986,882-16,986,888 gives the same sequence; the c. name uses the placement nearest the transcript's 3' end. VCF-style (leftmost placement, unchanged base first): chr1-16986881-CAG-C. GRCh37 (hg19) VCF-style: chr1-17313376-CAG-C.
Other names: c.3142_3143del, p.Leu1048fs (NM_001141973.3); c.3025_3026del, p.Leu1009fs (NM_001141974.3); short protein forms L1009fs, L1053fs, L1048fs.
Identifiers: ClinVar variation 660925 (VCV000660925.6), dbSNP rs1570759415, ClinGen allele CA915941147.